The following is an entry in ClinVar:

NM_001374736.1(DST):c.22978C>T (p.Arg7660Cys)

Gene: DST (dystonin; minus strand). Cytogenetic location: 6p12.1.
Variant type: single nucleotide variant.
Coding change: c.22978C>T on transcript NM_001374736.1 (MANE Select); coding-DNA position 22978, C replaced by T.
Protein change: p.Arg7660Cys; replaces arginine 7660 with cysteine.
Molecular consequence: missense variant. On other transcripts: intron variant (2).
Genome position (GRCh38, 1-based): chr6:56,463,138, G>A on the plus strand (C>T on the coding strand, the complement: DST is on the minus strand). VCF-style: chr6-56463138-G-A. GRCh37 (hg19) VCF-style: chr6-56327936-G-A.
Other names: c.16549C>T, p.Arg5517Cys (NM_001144769.5); c.16135C>T, p.Arg5379Cys (NM_001144770.2); c.22906C>T, p.Arg7636Cys (NM_001374722.1); c.22933C>T, p.Arg7645Cys (NM_001374734.1); c.15997C>T, p.Arg5333Cys (NM_001386100.1); c.15037C>T, p.Arg5013Cys (NM_015548.5); c.16015C>T, p.Arg5339Cys (NM_183380.4); c.15741+427C>T (NM_001374730.1); and 1 more; short protein forms R5013C, R5339C, R5379C, R7636C, R7645C, R5517C, R5333C, R7660C.
Identifiers: ClinVar variation 1427088 (VCV001427088.6), dbSNP rs768405206, ClinGen allele CA3866076.

ClinVar aggregate classification (germline): Uncertain significance. Review status: criteria provided, multiple submitters, no conflicts (2 of 4 stars). 3 submissions from 3 submitters: Uncertain significance (3). Last evaluated 2025-06-20.

Conditions:
Epidermolysis bullosa simplex 3, localized or generalized intermediate, with BP230 deficiency (EBS3). Also called: Epidermolysis bullosa simplex, autosomal recessive 2; Epidermolysis bullosa simplex due to BP230 deficiency. Identifiers: Orphanet 412181, MedGen C3809470, MONDO:0014180, OMIM 615425.
Hereditary sensory and autonomic neuropathy type 6. Also called: HSAN VI; Neuropathy, hereditary sensory and autonomic, type VI. Identifiers: Orphanet 314381, MedGen C3539003, MONDO:0013839, OMIM 614653.
DST-related disorder. Also called: DST-related condition; DST-related disorders.
Inborn genetic diseases. Identifiers: MedGen C0950123, MeSH D030342.

Allele frequency attached by ClinVar (database versions not stated): gnomAD 0.00001 and 0.00003; gnomAD exomes 0.00003 and 0.00006; TOPMed 0.00005; ExAC 0.00011.
gnomAD v4.1: 53 of 1,610,756 alleles (0.0033%); highest among the groups gnomAD compares: South Asian, 0.02%; no homozygotes.

Submissions (3):

PreventionGenetics, part of Exact Sciences
Classification: Uncertain significance for DST-related condition. Last evaluated: 2025-06-20. Review status: criteria provided, single submitter. Criteria: ACMG Guidelines, 2015. Collection method: clinical testing. Allele origin: germline.
Comment: The DST c.16549C>T variant is predicted to result in the amino acid substitution p.Arg5517Cys. To our knowledge, this variant has not been reported in individuals with DST-related disorders. This variant is reported in 0.026% of alleles in individuals of South Asian descent in gnomAD. At this time, the clinical significance of this variant is uncertain due to the absence of conclusive functional and genetic evidence.

Labcorp Genetics (formerly Invitae), Labcorp
Classification: Uncertain significance for Epidermolysis bullosa simplex 3, localized or generalized intermediate, with BP230 deficiency; Hereditary sensory and autonomic neuropathy type 6. Last evaluated: 2022-08-02. Review status: criteria provided, single submitter. Criteria: Invitae Variant Classification Sherloc (09022015). Collection method: clinical testing. Allele origin: germline.
Comment: The DST gene has multiple clinically relevant transcripts. This variant occurs in alternate transcript NM_015548.4, and corresponds to NM_001723.5:c.*152379C>T in the primary transcript. This sequence change replaces arginine, which is basic and polar, with cysteine, which is neutral and slightly polar, at codon 5013 of the DST protein (p.Arg5013Cys). This variant is present in population databases (rs768405206, gnomAD 0.03%). This variant has not been reported in the literature in individuals affected with DST-related conditions. Experimental studies and prediction algorithms are not available or were not evaluated, and the functional significance of this variant is currently unknown. In summary, the available evidence is currently insufficient to determine the role of this variant in disease. Therefore, it has been classified as a Variant of Uncertain Significance.

Ambry Genetics
Classification: Uncertain significance for Inborn genetic diseases. Last evaluated: 2021-01-07. Review status: criteria provided, single submitter. Criteria: Ambry Variant Classification Scheme 2023. Collection method: clinical testing. Allele origin: germline.
Comment: The p.R5517C variant (also known as c.16549C>T), located in coding exon 95 of the DST gene, results from a C to T substitution at nucleotide position 16549. The arginine at codon 5517 is replaced by cysteine, an amino acid with highly dissimilar properties. This amino acid position is highly conserved in available vertebrate species. In addition, the in silico prediction for this alteration is inconclusive. Since supporting evidence is limited at this time, the clinical significance of this alteration remains unclear.